The following is an entry in ClinVar:

ClinVar aggregate classification (germline): Uncertain significance (1 of 4 stars; one submission).

Conditions:
Rubinstein-Taybi syndrome (RSTS). Identifiers: Orphanet 783, MedGen C0035934, MONDO:0019188.

Submission:

Labcorp Genetics (formerly Invitae), Labcorp
Classification: Uncertain significance for Rubinstein-Taybi syndrome. Last evaluated: 2023-02-14. Review status: criteria provided, single submitter. Criteria: Invitae Variant Classification Sherloc (09022015). Collection method: clinical testing. Allele origin: germline.
Comment: In summary, the available evidence is currently insufficient to determine the role of this variant in disease. Therefore, it has been classified as a Variant of Uncertain Significance. This variant, c.7290_7301dup, results in the insertion of 4 amino acid(s) of the CREBBP protein (p.Thr2431_Thr2434dup), but otherwise preserves the integrity of the reading frame. This variant is not present in population databases (gnomAD no frequency). This variant has not been reported in the literature in individuals affected with CREBBP-related conditions.

NM_004380.3(CREBBP):c.7290_7301dup (p.Thr2434_Leu2435insThrGlyAspThr)

Gene: CREBBP (CREB binding lysine acetyltransferase; minus strand). Cytogenetic location: 16p13.3.
Variant type: Duplication.
Coding change: c.7290_7301dup on transcript NM_004380.3 (MANE Select); coding-DNA positions 7290 to 7301, 12 bases duplicated (CACGGGGGACAC).
Protein change: p.Thr2434_Leu2435insThrGlyAspThr.
Molecular consequence: inframe insertion.
Genome position (GRCh38, 1-based): chr16:3,727,746-3,727,757, GTGTCCCCCGTG duplicated on the plus strand (CACGGGGGACAC on the coding strand, the reverse complement: CREBBP is on the minus strand); duplicating any 12 consecutive bases within chr16:3,727,746-3,727,765 gives the same sequence; the c. name uses the placement nearest the transcript's 3' end. VCF-style (leftmost placement, unchanged base first): chr16-3727745-C-CGTGTCCCCCGTG. GRCh37 (hg19) VCF-style: chr16-3777746-C-CGTGTCCCCCGTG.
Other names: c.7176_7187dup, p.Thr2396_Leu2397insThrGlyAspThr (NM_001079846.1).
Identifiers: ClinVar variation 2820012 (VCV002820012.3), dbSNP rs2548341055, ClinGen allele CA2590182461.